The following is an entry in ClinVar:

NM_080860.4(RSPH1):c.390C>A (p.Tyr130Ter)

Gene: RSPH1 (radial spoke head component 1; minus strand). Cytogenetic location: 21q22.3.
Variant type: single nucleotide variant.
Coding change: c.390C>A on transcript NM_080860.4 (MANE Select); coding-DNA position 390, C replaced by A.
Protein change: p.Tyr130Ter; replaces tyrosine 130 with a stop codon.
Molecular consequence: nonsense.
Genome position (GRCh38, 1-based): chr21:42,485,780, G>T on the plus strand (C>A on the coding strand, the complement: RSPH1 is on the minus strand). VCF-style: chr21-42485780-G-T. GRCh37 (hg19) VCF-style: chr21-43905890-G-T.
Other names: c.276C>A, p.Tyr92Ter (NM_001286506.2); short protein forms Y92*, Y130*.
Identifiers: ClinVar variation 2829569 (VCV002829569.3), dbSNP rs529633380, ClinGen allele CA410365922.
Genomic context (GRCh38, chr21:42,485,780, plus strand): 5'-GGCCGTGCCCTCCTGCTGTCCGTTCACCCAGGTGCCAACATACTTACTGCCCGTCTCCGC[G>T]TATAAATAGGTGCCTTGCCCATGCCTGGTTAAGACAAGGGGAACATGGTATTTCGTTCCA-3'

ClinVar aggregate classification (germline): Pathogenic (1 of 4 stars; one submission).

Conditions:
Primary ciliary dyskinesia. Also called: Ciliary dyskinesia. Identifiers: Orphanet 244, MedGen C0008780, MONDO:0016575, HP:0012265.

Submission:

Labcorp Genetics (formerly Invitae), Labcorp
Classification: Pathogenic for Primary ciliary dyskinesia. Last evaluated: 2022-10-28. Review status: criteria provided, single submitter. Criteria: Invitae Variant Classification Sherloc (09022015). Collection method: clinical testing. Allele origin: germline.
Comment: For these reasons, this variant has been classified as Pathogenic. Algorithms developed to predict the effect of sequence changes on RNA splicing suggest that this variant may disrupt the consensus splice site. This variant has not been reported in the literature in individuals affected with RSPH1-related conditions. This variant is present in population databases (no rsID available, gnomAD 0.002%). This sequence change creates a premature translational stop signal (p.Tyr130*) in the RSPH1 gene. It is expected to result in an absent or disrupted protein product. Loss-of-function variants in RSPH1 are known to be pathogenic (PMID: 23993197).

Literature cited by the submitters: PubMed 23993197.